The following is an entry in ClinVar:

ClinVar aggregate classification (germline): Uncertain significance. Review status: criteria provided, multiple submitters, no conflicts (2 of 4 stars). 4 submissions from 4 submitters: Uncertain significance (4). Last evaluated 2025-06-20.

Conditions:
Inborn genetic diseases. Identifiers: MedGen C0950123, MeSH D030342.
Thyroid dyshormonogenesis 6 (TDH6). Also called: THYROID HORMONOGENESIS, GENETIC DEFECT IN, 6; HYPOTHYROIDISM, CONGENITAL, DUE TO DYSHORMONOGENESIS, 6; Genetic transient congenital hypothyroidism. Identifiers: Orphanet 226316, Orphanet 95716, MedGen C1846632, MONDO:0011792, OMIM 607200.
DUOX2-related disorder. Also called: DUOX2-related condition.

Allele frequency attached by ClinVar (database versions not stated): gnomAD 0.00002; TOPMed 0.00003; ESP Exome Variant Server 0.00008; gnomAD exomes 0.00008; ExAC 0.00009.
gnomAD v4.1: 103 of 1,613,976 alleles (0.0064%); highest among the groups gnomAD compares: Non-Finnish European, 0.008%; 1 homozygote.

Submissions (4):

PreventionGenetics, part of Exact Sciences
Classification: Uncertain significance for DUOX2-related condition. Last evaluated: 2025-06-20. Review status: criteria provided, single submitter. Criteria: ACMG Guidelines, 2015. Collection method: clinical testing. Allele origin: germline.
Comment: The DUOX2 c.3518C>T variant is predicted to result in the amino acid substitution p.Ser1173Phe. To our knowledge, this variant has not been reported in the literature. This variant is reported in 0.016% of alleles in individuals of European (Non-Finnish) descent in gnomAD. Although we suspect that this variant may be pathogenic, at this time, the clinical significance of this variant is uncertain due to the absence of conclusive functional and genetic evidence.

Labcorp Genetics (formerly Invitae), Labcorp
Classification: Uncertain significance. Last evaluated: 2025-03-20. Review status: criteria provided, single submitter. Criteria: Invitae Variant Classification Sherloc (09022015). Collection method: clinical testing. Allele origin: germline.
Comment: This sequence change replaces serine, which is neutral and polar, with phenylalanine, which is neutral and non-polar, at codon 1173 of the DUOX2 protein (p.Ser1173Phe). This variant is present in population databases (rs148718959, gnomAD 0.01%). This variant has not been reported in the literature in individuals affected with DUOX2-related conditions. ClinVar contains an entry for this variant (Variation ID: 316149). An algorithm developed to predict the effect of missense changes on protein structure and function (PolyPhen-2) suggests that this variant is likely to be disruptive. In summary, the available evidence is currently insufficient to determine the role of this variant in disease. Therefore, it has been classified as a Variant of Uncertain Significance.

Ambry Genetics
Classification: Uncertain significance for Inborn genetic diseases. Last evaluated: 2022-07-08. Review status: criteria provided, single submitter. Criteria: Ambry Variant Classification Scheme 2023. Collection method: clinical testing. Allele origin: germline.

Illumina Laboratory Services, Illumina
Classification: Uncertain significance for Thyroid dyshormonogenesis 6. Last evaluated: 2018-01-13. Review status: criteria provided, single submitter. Criteria: ICSL Variant Classification Criteria 13 December 2019. Collection method: clinical testing. Allele origin: germline.

NM_001363711.2(DUOX2):c.3518C>T (p.Ser1173Phe)

Gene: DUOX2 (dual oxidase 2; minus strand). Cytogenetic location: 15q21.1.
Variant type: single nucleotide variant.
Coding change: c.3518C>T on transcript NM_001363711.2 (MANE Select); coding-DNA position 3518, C replaced by T.
Protein change: p.Ser1173Phe; replaces serine 1173 with phenylalanine.
Molecular consequence: missense variant.
Genome position (GRCh38, 1-based): chr15:45,098,056, G>A on the plus strand (C>T on the coding strand, the complement: DUOX2 is on the minus strand). VCF-style: chr15-45098056-G-A. GRCh37 (hg19) VCF-style: chr15-45390254-G-A.
Other names: c.3518C>T, p.Ser1173Phe (NM_014080.5); short protein forms S1173F.
Identifiers: ClinVar variation 316149 (VCV000316149.10), dbSNP rs148718959, ClinGen allele CA7537837.